The following is an entry in ClinVar:

NM_003743.5(NCOA1):c.2471C>T (p.Ala824Val)

Gene: NCOA1 (nuclear receptor coactivator 1; plus strand). Cytogenetic location: 2p23.3.
Variant type: single nucleotide variant.
Coding change: c.2471C>T on transcript NM_003743.5 (MANE Select); coding-DNA position 2471, C replaced by T.
Protein change: p.Ala824Val; replaces alanine 824 with valine.
Molecular consequence: missense variant.
Genome position (GRCh38, 1-based): chr2:24,710,983, C>T. VCF-style: chr2-24710983-C-T. GRCh37 (hg19) VCF-style: chr2-24933852-C-T.
Other names: c.2471C>T, p.Ala824Val (NM_001362950.1, NM_001362952.1, NM_001362954.1 and 3 more transcripts); short protein forms A824V.
Identifiers: ClinVar variation 4989778 (VCV004989778.1).

ClinVar aggregate classification (germline): Uncertain significance (1 of 4 stars; one submission).

Conditions:
NCOA1-related disorder. Also called: NCOA1-related condition.

gnomAD v4.1: 16 of 1,614,050 alleles (0.00099%); highest among the groups gnomAD compares: Admixed American, 0.0033%; no homozygotes.

Submission:

PreventionGenetics, part of Exact Sciences
Classification: Uncertain significance for NCOA1-related condition. Last evaluated: 2025-03-21. Review status: criteria provided, single submitter. Criteria: ACMG Guidelines, 2015. Collection method: clinical testing. Allele origin: germline.
Comment: The NCOA1 c.2471C>T variant is predicted to result in the amino acid substitution p.Ala824Val. To our knowledge, this variant has not been reported in the literature. This variant is reported in 0.0028% of alleles in individuals of Latino descent in gnomAD. At this time, the clinical significance of this variant is uncertain due to the absence of conclusive functional and genetic evidence.